The following is an entry in ClinVar:

NM_020937.4(FANCM):c.2783A>C (p.Gln928Pro)

Gene: FANCM (FA complementation group M; plus strand). Cytogenetic location: 14q21.2.
Variant type: single nucleotide variant.
Coding change: c.2783A>C on transcript NM_020937.4 (MANE Select); coding-DNA position 2783, A replaced by C.
Protein change: p.Gln928Pro; replaces glutamine 928 with proline.
Molecular consequence: missense variant.
Genome position (GRCh38, 1-based): chr14:45,175,537, A>C. VCF-style: chr14-45175537-A-C. GRCh37 (hg19) VCF-style: chr14-45644740-A-C.
Other names: c.2705A>C, p.Gln902Pro (NM_001308133.2); short protein forms Q902P, Q928P.
Identifiers: ClinVar variation 4022768 (VCV004022768.1).

ClinVar aggregate classification (germline): Uncertain significance (1 of 4 stars; one submission).

Conditions:
Inborn genetic diseases. Identifiers: MedGen C0950123, MeSH D030342.

Submission:

Ambry Genetics
Classification: Uncertain significance for Inborn genetic diseases. Last evaluated: 2025-05-10. Review status: criteria provided, single submitter. Criteria: Ambry Variant Classification Scheme 2023. Collection method: clinical testing. Allele origin: germline.
Comment: The p.Q928P variant (also known as c.2783A>C), located in coding exon 14 of the FANCM gene, results from an A to C substitution at nucleotide position 2783. The glutamine at codon 928 is replaced by proline, an amino acid with similar properties. This amino acid position is conserved. In addition, this alteration is predicted to be tolerated by in silico analysis. Based on the available evidence, the clinical significance of this variant remains unclear.